The following is an entry in ClinVar:

NM_002485.5(NBN):c.1523T>A (p.Leu508Gln)

Gene: NBN (nibrin; minus strand). Cytogenetic location: 8q21.3.
Variant type: single nucleotide variant.
Coding change: c.1523T>A on transcript NM_002485.5 (MANE Select); coding-DNA position 1523, T replaced by A.
Protein change: p.Leu508Gln; replaces leucine 508 with glutamine.
Molecular consequence: missense variant.
Genome position (GRCh38, 1-based): chr8:89,953,566, A>T on the plus strand (T>A on the coding strand, the complement: NBN is on the minus strand). VCF-style: chr8-89953566-A-T. GRCh37 (hg19) VCF-style: chr8-90965794-A-T.
Other names: c.1277T>A, p.Leu426Gln (NM_001024688.3); short protein forms L426Q, L508Q.
Identifiers: ClinVar variation 2566738 (VCV002566738.2), dbSNP rs2488232968, ClinGen allele CA371655673.
Genomic context (GRCh38, chr8:89,953,566, plus strand): 5'-AAATCTGTATCTGTAAATAAGTTATTGTCTGAGTTTGTGTCCACAGGCTCATTCTCAGAT[A>T]GATGCTGCTCCTTATTTTTCCACAATGAGGGTGTAGCAGGTTGTGTTTGTTCTAAAAGAG-3'
Protein context (NP_002476.2, residues 498-518): PSLWKNKEQH[Leu508Gln]SENEPVDTNS

ClinVar aggregate classification (germline): Uncertain significance (1 of 4 stars; one submission).

Conditions:
Hereditary cancer-predisposing syndrome. Also called: Hereditary neoplastic syndrome; Hereditary Cancer Syndrome; Neoplastic Syndromes, Hereditary; Tumor predisposition. Identifiers: Orphanet 140162, MedGen C0027672, MeSH D009386, MONDO:0015356.

Submission:

Ambry Genetics
Classification: Uncertain significance for Hereditary cancer-predisposing syndrome. Last evaluated: 2023-05-15. Review status: criteria provided, single submitter. Criteria: Ambry Variant Classification Scheme 2023. Collection method: clinical testing. Allele origin: germline.
Comment: The p.L508Q variant (also known as c.1523T>A), located in coding exon 11 of the NBN gene, results from a T to A substitution at nucleotide position 1523. The leucine at codon 508 is replaced by glutamine, an amino acid with dissimilar properties. This amino acid position is conserved. In addition, this alteration is predicted to be tolerated by in silico analysis. Since supporting evidence is limited at this time, the clinical significance of this alteration remains unclear.